The following is an entry in ClinVar:

NM_014141.6(CNTNAP2):c.2460C>A (p.Ser820Arg)

Gene: CNTNAP2 (contactin associated protein 2; plus strand). Cytogenetic location: 7q35.
Variant type: single nucleotide variant.
Coding change: c.2460C>A on transcript NM_014141.6 (MANE Select); coding-DNA position 2460, C replaced by A.
Protein change: p.Ser820Arg; replaces serine 820 with arginine.
Molecular consequence: missense variant.
Genome position (GRCh38, 1-based): chr7:148,118,194, C>A. VCF-style: chr7-148118194-C-A. GRCh37 (hg19) VCF-style: chr7-147815286-C-A.
Other names: c.2460C>A (NM_014141.5); short protein forms S820R.
Identifiers: ClinVar variation 194651 (VCV000194651.10), dbSNP rs144496909, ClinGen allele CA240740.

ClinVar aggregate classification (germline): Uncertain significance. Review status: criteria provided, multiple submitters, no conflicts (2 of 4 stars). 3 submissions from 3 submitters: Uncertain significance (3). Last evaluated 2025-08-21.

Conditions:
Inborn genetic diseases. Identifiers: MedGen C0950123, MeSH D030342.
Cortical dysplasia-focal epilepsy syndrome (PTHSL1). Also called: Pitt-Hopkins-like syndrome 1. Identifiers: Orphanet 163681, Orphanet 221150, MedGen C2750246, MONDO:0012400, OMIM 610042.

Allele frequency attached by ClinVar (database versions not stated): TOPMed 0.00001.
gnomAD v4.1: 11 of 1,614,156 alleles (0.00068%); highest among the groups gnomAD compares: Admixed American, 0.0067%; no homozygotes.

Submissions (3):

Labcorp Genetics (formerly Invitae), Labcorp
Classification: Uncertain significance for Cortical dysplasia-focal epilepsy syndrome. Last evaluated: 2025-08-21. Review status: criteria provided, single submitter. Criteria: Invitae Variant Classification Sherloc (09022015). Collection method: clinical testing. Allele origin: germline.
Comment: This sequence change replaces serine, which is neutral and polar, with arginine, which is basic and polar, at codon 820 of the CNTNAP2 protein (p.Ser820Arg). This variant is present in population databases (rs144496909, gnomAD 0.01%). This variant has not been reported in the literature in individuals affected with CNTNAP2-related conditions. ClinVar contains an entry for this variant (Variation ID: 194651). An algorithm developed to predict the effect of missense changes on protein structure and function (PolyPhen-2) suggests that this variant is likely to be disruptive. In summary, the available evidence is currently insufficient to determine the role of this variant in disease. Therefore, it has been classified as a Variant of Uncertain Significance.

Ambry Genetics
Classification: Uncertain significance for Inborn genetic diseases. Last evaluated: 2025-05-21. Review status: criteria provided, single submitter. Criteria: Ambry Variant Classification Scheme 2023. Collection method: clinical testing. Allele origin: germline.

Eurofins Ntd Llc (ga)
Classification: Uncertain significance. Last evaluated: 2015-03-06. Review status: criteria provided, single submitter. Criteria: EGL Classification Definitions 2015. Collection method: clinical testing. Allele origin: germline. Observed: 2 variant alleles, 2 heterozygotes.